The following is an entry in ClinVar:

ClinVar aggregate classification (germline): Benign/Likely benign. Review status: criteria provided, multiple submitters, no conflicts (2 of 4 stars). 2 submissions from 2 submitters: Benign (1); Likely benign (1). Last evaluated 2026-01-31.

Submissions (2):

Labcorp Genetics (formerly Invitae), Labcorp
Classification: Benign. Last evaluated: 2026-01-31. Review status: criteria provided, single submitter. Criteria: Invitae Variant Classification Sherloc (09022015). Collection method: clinical testing. Allele origin: germline.

GeneDx
Classification: Likely benign. Last evaluated: 2022-06-29. Review status: criteria provided, single submitter. Criteria: GeneDx Variant Classification Process June 2021. Collection method: clinical testing. Allele origin: germline. Affected: yes.
Comment: See Variant Classification Assertion Criteria.

NM_004247.4(EFTUD2):c.272-8dup

Gene: EFTUD2 (elongation factor Tu GTP binding domain containing 2; minus strand). Cytogenetic location: 17q21.31.
Variant type: Duplication.
Coding change: c.272-8dup on transcript NM_004247.4 (MANE Select); 8 bases into the intron before coding-DNA position 272, one base duplicated (T; older notation c.272-8dupT).
Molecular consequence: intron variant.
Genome position (GRCh38, 1-based): chr17:44,885,342, A duplicated on the plus strand (T on the coding strand, the reverse complement: EFTUD2 is on the minus strand); the first of 10 consecutive A bases (chr17:44,885,342-44,885,351); duplicating any one gives the same sequence. VCF-style (leftmost placement, unchanged base first): chr17-44885341-G-GA. GRCh37 (hg19) VCF-style: chr17-42962709-G-GA.
Other names: c.167-8dup (NM_001142605.2); c.272-8dup (NM_001258354.2, NM_001258353.2, NM_004247.3).
Identifiers: ClinVar variation 771496 (VCV000771496.13), dbSNP rs557631650, ClinGen allele CA8608148.